The following is an entry in ClinVar:

ClinVar aggregate classification (germline): Uncertain significance (1 of 4 stars; one submission).

Conditions:
POLD1-related polyposis and colorectal cancer syndrome (CRCS10). Also called: Colorectal cancer 10; COLORECTAL CANCER, SUSCEPTIBILITY TO, ON CHROMOSOME 19q; Colorectal cancer, susceptibility to, 10. Identifiers: Orphanet 220460, MedGen C2675481, MONDO:0012953, OMIM 612591.

Submission:

Labcorp Genetics (formerly Invitae), Labcorp
Classification: Uncertain significance for POLD1-related polyposis and colorectal cancer syndrome. Last evaluated: 2024-05-20. Review status: criteria provided, single submitter. Criteria: Invitae Variant Classification Sherloc (09022015). Collection method: clinical testing. Allele origin: germline.
Comment: This sequence change replaces serine, which is neutral and polar, with proline, which is neutral and non-polar, at codon 717 of the POLD1 protein (p.Ser717Pro). This variant is not present in population databases (gnomAD no frequency). This variant has not been reported in the literature in individuals affected with POLD1-related conditions. ClinVar contains an entry for this variant (Variation ID: 954605). Advanced modeling of protein sequence and biophysical properties (such as structural, functional, and spatial information, amino acid conservation, physicochemical variation, residue mobility, and thermodynamic stability) performed at Invitae indicates that this missense variant is expected to disrupt POLD1 protein function with a positive predictive value of 80%. In summary, the available evidence is currently insufficient to determine the role of this variant in disease. Therefore, it has been classified as a Variant of Uncertain Significance.

NM_002691.4(POLD1):c.2149T>C (p.Ser717Pro)

Gene: POLD1 (DNA polymerase delta 1, catalytic subunit; plus strand). Cytogenetic location: 19q13.33.
Variant type: single nucleotide variant.
Coding change: c.2149T>C on transcript NM_002691.4 (MANE Select); coding-DNA position 2149, T replaced by C.
Protein change: p.Ser717Pro; replaces serine 717 with proline.
Molecular consequence: missense variant. On other transcripts: non-coding transcript variant (1).
Genome position (GRCh38, 1-based): chr19:50,409,661, T>C. VCF-style: chr19-50409661-T-C. GRCh37 (hg19) VCF-style: chr19-50912918-T-C.
Other names: c.2149T>C, p.Ser717Pro (NM_001256849.1); c.2227T>C, p.Ser743Pro (NM_001308632.1); short protein forms S717P, S743P.
Identifiers: ClinVar variation 954605 (VCV000954605.9), dbSNP rs2039024706, ClinGen allele CA406982730.